The following is an entry in ClinVar:

ClinVar aggregate classification (germline): Pathogenic (1 of 4 stars; one submission).

Conditions:
Familial thoracic aortic aneurysm and aortic dissection (TAAD). Also called: Thoracic aortic aneurysms and dissections. Identifiers: Orphanet 91387, MedGen C4707243, MONDO:0019625.
Marfan syndrome (MFS). Also called: Marfan syndrome type 1; Marfan's syndrome; Marfan syndrome, classic; MARFAN SYNDROME, TYPE I; FBN1-Related Marfan Syndrome. Identifiers: Orphanet 284963, Orphanet 558, MedGen C0024796, MONDO:0007947, OMIM 154700.

Submission:

Labcorp Genetics (formerly Invitae), Labcorp
Classification: Pathogenic for Marfan syndrome; Familial thoracic aortic aneurysm and aortic dissection. Last evaluated: 2020-03-18. Review status: criteria provided, single submitter. Criteria: Invitae Variant Classification Sherloc (09022015). Collection method: clinical testing. Allele origin: germline.
Comment: This sequence change creates a premature translational stop signal (p.Val189*) in the FBN1 gene. It is expected to result in an absent or disrupted protein product. This variant is not present in population databases (ExAC no frequency). This variant has not been reported in the literature in individuals with FBN1-related conditions. Loss-of-function variants in FBN1 are known to be pathogenic (PMID: 17657824, 19293843). For these reasons, this variant has been classified as Pathogenic.

Literature cited by the submitters: PubMed 17657824; PubMed 19293843.

NM_000138.5(FBN1):c.565del (p.Thr188_Val189insTer)

Gene: FBN1 (fibrillin 1; minus strand). Cytogenetic location: 15q21.1.
Variant type: Deletion.
Coding change: c.565del on transcript NM_000138.5 (MANE Select); coding-DNA position 565, one base deleted (G; older notation c.565delG).
Protein change: p.Thr188_Val189insTer.
Molecular consequence: nonsense.
Genome position (GRCh38, 1-based): chr15:48,537,782, C deleted on the plus strand (G on the coding strand, the reverse complement: FBN1 is on the minus strand). VCF-style (leftmost placement, unchanged base first): chr15-48537781-AC-A. GRCh37 (hg19) VCF-style: chr15-48829978-AC-A.
Identifiers: ClinVar variation 1072764 (VCV001072764.7), dbSNP rs2141358467, ClinGen allele CA2499223017.
Genomic context (GRCh38, chr15:48,537,781, plus strand): 5'-CAGAGCGTTTTTGTGCAGACAATCCCGCTGAGTTGTCCCTGGCACATCTGGTTGCTGATC[AC>A]AGTAAAACATGGGCCTGTCCTGTAATCTGAAAATAAAGAATAAAAATCTGATGAAAATCC-3'